The following is an entry in ClinVar:

ClinVar aggregate classification (germline): Conflicting classifications of pathogenicity. Review status: criteria provided, conflicting classifications (1 of 4 stars). 7 submissions from 7 submitters: Uncertain significance (1); Likely benign (4). 2 of the submissions do not count toward it. Last evaluated 2026-01-26.

Conditions:
Immunodeficiency 18 (IMD18). Also called: CD3-EPSILON DEFICIENCY; CD3epsilon deficiency. Identifiers: MedGen C3810127, MONDO:0014278, OMIM 615615.

Allele frequency attached by ClinVar (database versions not stated): TOPMed 0.00038; ESP Exome Variant Server 0.00046; 1000 Genomes Project 0.00060; 1000 Genomes Project 30x 0.00078.
gnomAD v4.1: 871 of 1,614,044 alleles (0.054%); highest among the groups gnomAD compares: Middle Eastern, 0.41%; 6 homozygotes.

Submissions (7):

Labcorp Genetics (formerly Invitae), Labcorp
Classification: Likely benign for Immunodeficiency 18. Last evaluated: 2026-01-26. Review status: criteria provided, single submitter. Criteria: Invitae Variant Classification Sherloc (09022015). Collection method: clinical testing. Allele origin: germline.

Blueprint Genetics
Classification: Likely benign. Last evaluated: 2024-11-07. Review status: criteria provided, single submitter. Criteria: ACMG Guidelines, 2015. Collection method: clinical testing. Allele origin: germline.

CeGaT Center for Human Genetics Tuebingen
Classification: Likely benign. Last evaluated: 2024-03-01. Review status: criteria provided, single submitter. Criteria: CeGaT Center For Human Genetics Tuebingen Variant Classification Criteria Version 2. Collection method: clinical testing. Allele origin: germline. Affected: yes. Observed: 1 variant allele.
Comment: CD3E: BP4

Illumina Laboratory Services, Illumina
Classification: Uncertain significance for Immunodeficiency 18. Last evaluated: 2018-01-13. Review status: criteria provided, single submitter. Criteria: ICSL Variant Classification Criteria 13 December 2019. Collection method: clinical testing. Allele origin: germline.

Clinical Genetics DNA and cytogenetics Diagnostics Lab, Erasmus MC, Erasmus Medical Center
Classification: Likely benign for Immunodeficiency 18. Last evaluated: 2017-04-25. Review status: criteria provided, single submitter. Criteria: ACGS Guidelines, 2013. Collection method: clinical testing. Allele origin: germline. Affected: yes. Study: VKGL Data-share Consensus.

Diagnostic Laboratory, Department of Genetics, University Medical Center Groningen
Classification: Likely benign for Immunodeficiency 18. Review status: no assertion criteria provided. Collection method: clinical testing. Allele origin: germline. Affected: yes. Study: VKGL Data-share Consensus. Not counted in ClinVar's aggregate classification.

Genome Diagnostics Laboratory, University Medical Center Utrecht
Classification: Likely benign. Review status: no assertion criteria provided. Collection method: clinical testing. Allele origin: germline. Affected: yes. Study: VKGL Data-share Consensus. Not counted in ClinVar's aggregate classification.

NM_000733.4(CD3E):c.211G>C (p.Asp71His)

Gene: CD3E (CD3 epsilon subunit of T-cell receptor complex; plus strand). Cytogenetic location: 11q23.3.
Variant type: single nucleotide variant.
Coding change: c.211G>C on transcript NM_000733.4 (MANE Select); coding-DNA position 211, G replaced by C.
Protein change: p.Asp71His; replaces aspartic acid 71 with histidine.
Molecular consequence: missense variant.
Genome position (GRCh38, 1-based): chr11:118,312,725, G>C. VCF-style: chr11-118312725-G-C. GRCh37 (hg19) VCF-style: chr11-118183440-G-C.
Other names: short protein forms D71H.
Identifiers: ClinVar variation 302662 (VCV000302662.40), dbSNP rs148647954, ClinGen allele CA6301641.